The following is an entry in ClinVar:

ClinVar aggregate classification (germline): Benign/Likely benign. Review status: criteria provided, multiple submitters, no conflicts (2 of 4 stars). 5 submissions from 5 submitters: Benign (1); Likely benign (4). Last evaluated 2025-09-10.

Conditions:
Classic or attenuated familial adenomatous polyposis. Identifiers: MedGen CN372698, MONDO:0021057.
Hereditary cancer-predisposing syndrome. Also called: Hereditary neoplastic syndrome; Hereditary Cancer Syndrome; Neoplastic Syndromes, Hereditary; Tumor predisposition. Identifiers: Orphanet 140162, MedGen C0027672, MeSH D009386, MONDO:0015356.
Familial adenomatous polyposis 1 (FAP1). Also called: FAMILIAL ADENOMATOUS POLYPOSIS 1, ATTENUATED; POLYPOSIS, ADENOMATOUS INTESTINAL. Identifiers: MedGen C2713442, MONDO:0021056, OMIM 175100. Disease mechanism: loss of function.

Allele frequency attached by ClinVar (database versions not stated): gnomAD exomes 0.00001; TOPMed 0.00001.
gnomAD v4.1: 12 of 1,614,096 alleles (0.00074%); highest among the groups gnomAD compares: Non-Finnish European, 0.001%; no homozygotes.

Submissions (5):

Labcorp Genetics (formerly Invitae), Labcorp
Classification: Likely benign for Familial adenomatous polyposis 1. Last evaluated: 2025-09-10. Review status: criteria provided, single submitter. Criteria: Invitae Variant Classification Sherloc (09022015). Collection method: clinical testing. Allele origin: germline.

Myriad Genetics, Inc.
Classification: Benign for Familial adenomatous polyposis 1. Last evaluated: 2024-03-07. Review status: criteria provided, single submitter. Criteria: Myriad Autosomal Dominant, Autosomal Recessive and X-Linked Classification Criteria (2023). Collection method: clinical testing. Allele origin: unknown.
Comment: This variant is considered benign. This variant is a silent/synonymous amino acid change and it is not expected to impact splicing.

All of Us Research Program, National Institutes of Health
Classification: Likely benign for Classic or attenuated familial adenomatous polyposis. Last evaluated: 2023-08-15. Review status: criteria provided, single submitter. Criteria: ACMG Guidelines, 2015. Collection method: clinical testing. Allele origin: germline. Inheritance: Autosomal dominant inheritance. Observed: 2 variant alleles, 2 heterozygotes.
Comment: This study involves interpretation of variants in research participants for the purpose of population health screening. Participant phenotype was not available at the time of variant classification. Additional details can be found in publication PMID: 35346344, PMCID: PMC8962531

Color Diagnostics, LLC DBA Color Health
Classification: Likely benign for Hereditary cancer-predisposing syndrome. Last evaluated: 2017-10-06. Review status: criteria provided, single submitter. Criteria: ACMG Guidelines, 2015. Collection method: clinical testing. Allele origin: germline.

Ambry Genetics
Classification: Likely benign for Hereditary cancer-predisposing syndrome. Last evaluated: 2015-01-15. Review status: criteria provided, single submitter. Criteria: Ambry Variant Classification Scheme 2023. Collection method: clinical testing. Allele origin: germline.

NM_000038.6(APC):c.1866C>T (p.Tyr622=)

Gene: APC (APC regulator of Wnt signaling pathway; plus strand). Cytogenetic location: 5q22.2.
Variant type: single nucleotide variant.
Coding change: c.1866C>T on transcript NM_000038.6 (MANE Select); coding-DNA position 1866, C replaced by T.
Protein change: p.Tyr622=; no amino-acid change (tyrosine 622 retained).
Molecular consequence: synonymous variant.
Genome position (GRCh38, 1-based): chr5:112,835,073, C>T. VCF-style: chr5-112835073-C-T. GRCh37 (hg19) VCF-style: chr5-112170770-C-T.
Other names: c.1866C>T, p.Tyr622= (NM_001127510.3, NM_001354895.2); c.1812C>T, p.Tyr604= (NM_001127511.3); c.1920C>T, p.Tyr640= (NM_001354896.2); c.1896C>T, p.Tyr632= (NM_001354897.2); c.1791C>T, p.Tyr597= (NM_001354898.2); c.1782C>T, p.Tyr594= (NM_001354899.2); c.1743C>T, p.Tyr581= (NM_001354900.2); c.1689C>T, p.Tyr563= (NM_001354901.2); and 5 more.
Identifiers: ClinVar variation 230050 (VCV000230050.11), dbSNP rs876658355, ClinGen allele CA10578328.